The following is an entry in ClinVar:

NM_004415.4(DSP):c.663C>G (p.His221Gln)

Gene: DSP (desmoplakin; plus strand). Cytogenetic location: 6p24.3.
Variant type: single nucleotide variant.
Coding change: c.663C>G on transcript NM_004415.4 (MANE Select); coding-DNA position 663, C replaced by G.
Protein change: p.His221Gln; replaces histidine 221 with glutamine.
Molecular consequence: missense variant.
Genome position (GRCh38, 1-based): chr6:7,562,717, C>G. VCF-style: chr6-7562717-C-G. GRCh37 (hg19) VCF-style: chr6-7562950-C-G.
Other names: c.663C>G, p.His221Gln (NM_001008844.3, NM_001319034.2); c.663C>G (LRG_423t1); short protein forms H221Q.
Identifiers: ClinVar variation 565461 (VCV000565461.9), dbSNP rs1561683654, ClinGen allele CA362673509.

ClinVar aggregate classification (germline): Uncertain significance (1 of 4 stars; one submission).

Conditions:
Arrhythmogenic right ventricular dysplasia 8 (ARVD8). Also called: Arrhythmogenic Right Ventricular Dysplasia/Cardiomyopathy 8; ARRHYTHMOGENIC RIGHT VENTRICULAR DYSPLASIA, FAMILIAL, 8; ARRHYTHMOGENIC RIGHT VENTRICULAR CARDIOMYOPATHY 8. Identifiers: MedGen C1843896, MONDO:0011831, OMIM 607450.
Arrhythmogenic cardiomyopathy with wooly hair and keratoderma. Also called: PALMOPLANTAR KERATODERMA WITH LEFT VENTRICULAR CARDIOMYOPATHY AND WOOLLY HAIR; Carvajal syndrome; Dilated cardiomyopathy with woolly hair and keratoderma; Arrhythmogenic cardiomyopathy with woolly hair and keratoderma. Identifiers: Orphanet 65282, MedGen C1854063, MONDO:0011581, OMIM 605676.

Submission:

Labcorp Genetics (formerly Invitae), Labcorp
Classification: Uncertain significance for Arrhythmogenic cardiomyopathy with wooly hair and keratoderma; Arrhythmogenic right ventricular dysplasia 8. Last evaluated: 2022-03-09. Review status: criteria provided, single submitter. Criteria: Invitae Variant Classification Sherloc (09022015). Collection method: clinical testing. Allele origin: germline.
Comment: This variant is not present in population databases (gnomAD no frequency). This sequence change replaces histidine, which is basic and polar, with glutamine, which is neutral and polar, at codon 221 of the DSP protein (p.His221Gln). This variant has not been reported in the literature in individuals affected with DSP-related conditions. In summary, the available evidence is currently insufficient to determine the role of this variant in disease. Therefore, it has been classified as a Variant of Uncertain Significance. Algorithms developed to predict the effect of missense changes on protein structure and function are either unavailable or do not agree on the potential impact of this missense change (SIFT: "Deleterious"; PolyPhen-2: "Probably Damaging"; Align-GVGD: "Class C0"). ClinVar contains an entry for this variant (Variation ID: 565461).